The following is an entry in ClinVar:

NM_001291303.3(FAT4):c.7190C>T (p.Ala2397Val)

Gene: FAT4 (FAT atypical cadherin 4; plus strand). Cytogenetic location: 4q28.1.
Variant type: single nucleotide variant.
Coding change: c.7190C>T on transcript NM_001291303.3 (MANE Select); coding-DNA position 7190, C replaced by T.
Protein change: p.Ala2397Val; replaces alanine 2397 with valine.
Molecular consequence: missense variant.
Genome position (GRCh38, 1-based): chr4:125,434,416, C>T. VCF-style: chr4-125434416-C-T. GRCh37 (hg19) VCF-style: chr4-126355571-C-T.
Other names: c.7190C>T, p.Ala2397Val (NM_001291285.3, NM_024582.6); short protein forms A2397V.
Identifiers: ClinVar variation 2059990 (VCV002059990.4), dbSNP rs2530843328, ClinGen allele CA358135515.
Genomic context (GRCh38, chr4:125,434,416, plus strand): 5'-CACCAACTGGAACAGATGTTTTATTGGTAAATGCCTCAGATGCTGATGCTTCAAAGAATG[C>T]AGTTATAAGGTCAGTACATTTTCCTTTGTAAAGTTTGTCTGTTTTCTCATTAAACATTAG-3'
Protein context (NP_001278232.1, residues 2387-2407): NASDADASKN[Ala2397Val]VISYRIIGGN

ClinVar aggregate classification (germline): Uncertain significance (1 of 4 stars; one submission).

Allele frequency attached by ClinVar (database versions not stated): gnomAD exomes below 0.00001.
gnomAD v4.1: 3 of 1,613,872 alleles (0.00019%); highest among the groups gnomAD compares: Non-Finnish European, 0.00017%; no homozygotes.

Submission:

Labcorp Genetics (formerly Invitae), Labcorp
Classification: Uncertain significance. Last evaluated: 2025-09-02. Review status: criteria provided, single submitter. Criteria: Invitae Variant Classification Sherloc (09022015). Collection method: clinical testing. Allele origin: germline.
Comment: This sequence change replaces alanine, which is neutral and non-polar, with valine, which is neutral and non-polar, at codon 2397 of the FAT4 protein (p.Ala2397Val). This variant is not present in population databases (gnomAD no frequency). This variant has not been reported in the literature in individuals affected with FAT4-related conditions. ClinVar contains an entry for this variant (Variation ID: 2059990). Invitae Evidence Modeling of protein sequence and biophysical properties (such as structural, functional, and spatial information, amino acid conservation, physicochemical variation, residue mobility, and thermodynamic stability) indicates that this missense variant is expected to disrupt FAT4 protein function with a positive predictive value of 80%. In summary, the available evidence is currently insufficient to determine the role of this variant in disease. Therefore, it has been classified as a Variant of Uncertain Significance.